The following is an entry in ClinVar:

ClinVar aggregate classification (germline): Uncertain significance. Review status: criteria provided, multiple submitters, no conflicts (2 of 4 stars). 2 submissions from 2 submitters: Uncertain significance (2). Last evaluated 2025-11-27.

Conditions:
Inborn genetic diseases. Identifiers: MedGen C0950123, MeSH D030342.
Drash syndrome (DDS). Also called: NEPHROPATHY, WILMS TUMOR, AND GENITAL ANOMALIES; WILMS TUMOR AND PSEUDO- OR TRUE HERMAPHRODITISM. Identifiers: Orphanet 220, MedGen C0950121, MONDO:0008682, OMIM 194080.

Submissions (2):

Ambry Genetics
Classification: Uncertain significance for Inborn genetic diseases. Last evaluated: 2025-11-27. Review status: criteria provided, single submitter. Criteria: Ambry Variant Classification Scheme 2023. Collection method: clinical testing. Allele origin: germline.
Comment: The p.A352V variant (also known as c.1055C>T), located in coding exon 6 of the WT1 gene, results from a C to T substitution at nucleotide position 1055. The alanine at codon 352 is replaced by valine, an amino acid with similar properties. This amino acid position is conserved. In addition, the in silico prediction for this alteration is inconclusive. Based on the available evidence, the clinical significance of this variant remains unclear.

Baylor Genetics
Classification: Uncertain significance for Drash syndrome. Last evaluated: 2024-03-26. Review status: criteria provided, single submitter. Criteria: ACMG Guidelines, 2015. Collection method: clinical testing. Allele origin: unknown.

NM_024426.6(WT1):c.1070C>T (p.Ala357Val)

Gene: WT1 (WT1 transcription factor; minus strand). Cytogenetic location: 11p13.
Variant type: single nucleotide variant.
Coding change: c.1070C>T on transcript NM_024426.6 (MANE Select); coding-DNA position 1070, C replaced by T.
Protein change: p.Ala357Val; replaces alanine 357 with valine.
Molecular consequence: missense variant. On other transcripts: 5 prime UTR variant (1), non-coding transcript variant (2).
Genome position (GRCh38, 1-based): chr11:32,399,991, G>A on the plus strand (C>T on the coding strand, the complement: WT1 is on the minus strand). VCF-style: chr11-32399991-G-A. GRCh37 (hg19) VCF-style: chr11-32421537-G-A.
Other names: c.1055C>T (NM_024426.4); c.1019C>T, p.Ala340Val (NM_000378.6, NM_001407045.1, NM_001407048.1 and 1 more transcripts); c.419C>T, p.Ala140Val (NM_001198551.2); c.368C>T, p.Ala123Val (NM_001198552.2); c.-119C>T (NM_001367854.1); c.1064C>T, p.Ala355Val (NM_001407044.1); c.1070C>T, p.Ala357Val (NM_001407046.1, NM_024424.5); c.947C>T, p.Ala316Val (NM_001407047.1); and 5 more; short protein forms A103V, A123V, A140V, A267V, A284V, A299V, A316V, A335V.
Identifiers: ClinVar variation 3240741 (VCV003240741.2), dbSNP rs2132957981.